The following is an entry in ClinVar:

NM_001018115.3(FANCD2):c.98dup (p.Lys34fs)

Genes: FANCD2 (FA complementation group D2; plus strand), LOC107303338 (3p25 FANCD2 Alu-mediated recombination region; plus strand). Cytogenetic location: 3p25.3.
Variant type: Duplication.
Coding change: c.98dup on transcript NM_001018115.3 (MANE Select); coding-DNA position 98, one base duplicated (A; older notation c.98dupA).
Protein change: p.Lys34fs; shifts the reading frame from lysine 34.
Molecular consequence: frameshift variant.
Genome position (GRCh38, 1-based): chr3:10,032,865, A duplicated; the last of 3 consecutive A bases (chr3:10,032,863-10,032,865); duplicating any one gives the same sequence. VCF-style (leftmost placement, unchanged base first): chr3-10032862-C-CA. GRCh37 (hg19) VCF-style: chr3-10074546-C-CA.
Other names: c.98dup, p.Lys34fs (NM_001319984.2, NM_001374253.1, NM_001374254.1 and 2 more transcripts); short protein forms K34fs.
Identifiers: ClinVar variation 2982217 (VCV002982217.3), dbSNP rs2470708927, ClinGen allele CA2577503831.

ClinVar aggregate classification (germline): Pathogenic (1 of 4 stars; one submission).

Conditions:
Fanconi anemia (FA). Also called: Fanconi's anemia. Identifiers: Orphanet 84, MedGen C0015625, MeSH D005199, MONDO:0019391.

Submission:

Labcorp Genetics (formerly Invitae), Labcorp
Classification: Pathogenic for Fanconi anemia. Last evaluated: 2024-04-30. Review status: criteria provided, single submitter. Criteria: Invitae Variant Classification Sherloc (09022015). Collection method: clinical testing. Allele origin: germline.
Comment: This sequence change creates a premature translational stop signal (p.Lys34Glufs*6) in the FANCD2 gene. It is expected to result in an absent or disrupted protein product. Loss-of-function variants in FANCD2 are known to be pathogenic (PMID: 17436244). This variant is not present in population databases (gnomAD no frequency). This premature translational stop signal has been observed in individual(s) with Fanconi anemia (PMID: 31586946). For these reasons, this variant has been classified as Pathogenic.

Literature cited by the submitters: PubMed 17436244; PubMed 31586946.